The following is an entry in ClinVar:

NM_007294.4(BRCA1):c.3036A>C (p.Arg1012Ser)

Gene: BRCA1 (BRCA1 DNA repair associated; minus strand). Cytogenetic location: 17q21.31.
Variant type: single nucleotide variant.
Coding change: c.3036A>C on transcript NM_007294.4 (MANE Select); coding-DNA position 3036, A replaced by C.
Protein change: p.Arg1012Ser; replaces arginine 1012 with serine.
Molecular consequence: missense variant. On other transcripts: intron variant (137).
Genome position (GRCh38, 1-based): chr17:43,092,495, T>G on the plus strand (A>C on the coding strand, the complement: BRCA1 is on the minus strand). VCF-style: chr17-43092495-T-G. GRCh37 (hg19) VCF-style: chr17-41244512-T-G.
Other names: c.2895A>C, p.Arg965Ser (NM_001407730.1, NM_001407733.1, NM_001407731.1 and 29 more transcripts); c.2823A>C, p.Arg941Ser (NM_001407571.1, NM_001407853.1, NM_001407894.1 and 9 more transcripts); c.3036A>C, p.Arg1012Ser (NM_001407581.1, NM_001407582.1, NM_001407583.1 and 30 more transcripts); c.3033A>C, p.Arg1011Ser (NM_001407587.1, NM_001407590.1, NM_001407591.1 and 22 more transcripts); c.3027A>C, p.Arg1009Ser (NM_001407646.1, NM_001407647.1); c.2913A>C, p.Arg971Ser (NM_001407648.1, NM_001407664.1, NM_001407665.1 and 19 more transcripts); c.2910A>C, p.Arg970Ser (NM_001407649.1, NM_001407670.1, NM_001407671.1 and 11 more transcripts); c.2958A>C, p.Arg986Ser (NM_001407653.1, NM_001407654.1, NM_001407655.1 and 4 more transcripts); and 41 more; short protein forms R1012S, R965S, R716S, R884S, R901S, R941S, R945S, R964S.
Identifiers: ClinVar variation 570066 (VCV000570066.17), dbSNP rs1567793150, ClinGen allele CA10595921.

ClinVar aggregate classification (germline): Conflicting classifications of pathogenicity. Review status: criteria provided, conflicting classifications (1 of 4 stars). 3 submissions from 3 submitters: Uncertain significance (2); Likely benign (1). Last evaluated 2023-05-15.

Conditions:
Hereditary cancer-predisposing syndrome. Also called: Hereditary neoplastic syndrome; Tumor predisposition; Neoplastic Syndromes, Hereditary; Hereditary Cancer Syndrome. Identifiers: Orphanet 140162, MedGen C0027672, MeSH D009386, MONDO:0015356.
Hereditary breast ovarian cancer syndrome. Also called: Hereditary breast and ovarian cancer syndrome; Breast and ovarian cancer; Hereditary breast and ovarian cancer; Hereditary breast and/or ovarian cancer syndrome; Hereditary breast and ovarian cancer syndrome (HBOC); BRCA1- and BRCA2-Associated Hereditary Breast and Ovarian Cancer. Identifiers: Orphanet 145, MedGen C0677776, MeSH D061325, MONDO:0003582. Disease mechanism: loss of function.

Submissions (3):

Labcorp Genetics (formerly Invitae), Labcorp
Classification: Uncertain significance for Hereditary breast ovarian cancer syndrome. Last evaluated: 2023-05-15. Review status: criteria provided, single submitter. Criteria: Invitae Variant Classification Sherloc (09022015). Collection method: clinical testing. Allele origin: germline.
Comment: ClinVar contains an entry for this variant (Variation ID: 570066). Advanced modeling of protein sequence and biophysical properties (such as structural, functional, and spatial information, amino acid conservation, physicochemical variation, residue mobility, and thermodynamic stability) performed at Invitae indicates that this missense variant is not expected to disrupt BRCA1 protein function. In summary, the available evidence is currently insufficient to determine the role of this variant in disease. Therefore, it has been classified as a Variant of Uncertain Significance. This sequence change replaces arginine, which is basic and polar, with serine, which is neutral and polar, at codon 1012 of the BRCA1 protein (p.Arg1012Ser). This variant is not present in population databases (gnomAD no frequency). This variant has not been reported in the literature in individuals affected with BRCA1-related conditions.

University of Washington Department of Laboratory Medicine, University of Washington
Classification: Likely benign for Hereditary cancer-predisposing syndrome. Last evaluated: 2023-03-23. Review status: criteria provided, single submitter. Criteria: Dines et al. (Genet Med. 2020). Collection method: curation. Allele origin: germline.
Comment: Missense variant in a coldspot region where missense variants are very unlikely to be pathogenic (PMID:31911673).

BRCA1 coldspot (exon 11 using historical exon numbering). Reclassification based on statistical prior probability

Color Diagnostics, LLC DBA Color Health
Classification: Uncertain significance for Hereditary cancer-predisposing syndrome. Last evaluated: 2022-11-22. Review status: criteria provided, single submitter. Criteria: ACMG Guidelines, 2015. Collection method: clinical testing. Allele origin: germline.
Comment: This missense variant replaces arginine with serine at codon 1012 of the BRCA1 protein. Computational prediction suggests that this variant may not impact protein structure and function (internally defined REVEL score threshold <= 0.5, PMID: 27666373). To our knowledge, functional studies have not been reported for this variant. This variant has not been reported in individuals affected with BRCA1-related disorders in the literature. This variant has not been identified in the general population by the Genome Aggregation Database (gnomAD). The available evidence is insufficient to determine the role of this variant in disease conclusively. Therefore, this variant is classified as a Variant of Uncertain Significance.